The following is an entry in ClinVar:

ClinVar aggregate classification (germline): Benign. Review status: criteria provided, multiple submitters, no conflicts (2 of 4 stars). 6 submissions from 6 submitters: Benign (2). 4 of the submissions do not count toward it. Last evaluated 2026-01-29.

Conditions:
Alpha thalassemia-X-linked intellectual disability syndrome (ATRX). Also called: X-linked alpha-thalassemia-mental retardation syndrome; ALPHA-THALASSEMIA/MENTAL RETARDATION SYNDROME, X-LINKED; ATR, NONDELETION TYPE; ATR-X syndrome; Alpha thalassemia mental retardation syndrome, nondeletion type, X-linked; XLMR hypotonic face syndrome. Identifiers: Orphanet 847, MedGen C1845055, MONDO:0010519, OMIM 301040.

Allele frequency attached by ClinVar (database versions not stated): gnomAD exomes 0.00003 and 0.00013; gnomAD 0.00005 and 0.00006; ExAC 0.00009; TOPMed 0.00009; 1000 Genomes Project 0.00053; 1000 Genomes Project 30x 0.00062.
gnomAD v4.1: 45 of 1,209,768 alleles (0.0037%); highest among the groups gnomAD compares: East Asian, 0.11%; no homozygotes.

Submissions (6):

Labcorp Genetics (formerly Invitae), Labcorp
Classification: Benign for Alpha thalassemia-X-linked intellectual disability syndrome. Last evaluated: 2026-01-29. Review status: criteria provided, single submitter. Criteria: Invitae Variant Classification Sherloc (09022015). Collection method: clinical testing. Allele origin: germline.

GeneDx
Classification: Benign. Last evaluated: 2021-06-05. Review status: criteria provided, single submitter. Criteria: GeneDx Variant Classification Process June 2021. Collection method: clinical testing. Allele origin: germline. Affected: yes.

Natera, Inc.
Classification: Likely benign for X-linked alpha-thalassemia-mental retardation syndrome. Last evaluated: 2020-07-31. Review status: no assertion criteria provided. Collection method: clinical testing. Allele origin: germline. Not counted in ClinVar's aggregate classification.

ITMI
No classification provided. Condition: AllHighlyPenetrant. Last evaluated: 2013-09-19. Review status: no classification provided. Collection method: reference population. Allele origin: germline. Not counted in ClinVar's aggregate classification.
Comment: Please see associated publication for description of ethnicities

Clinical Genetics DNA and cytogenetics Diagnostics Lab, Erasmus MC, Erasmus Medical Center
Classification: Likely benign. Review status: no assertion criteria provided. Collection method: clinical testing. Allele origin: germline. Affected: yes. Study: VKGL Data-share Consensus. Not counted in ClinVar's aggregate classification.

Laboratory of Diagnostic Genome Analysis, Leiden University Medical Center (LUMC)
Classification: Likely benign. Review status: no assertion criteria provided. Collection method: clinical testing. Allele origin: germline. Affected: yes. Study: VKGL Data-share Consensus. Not counted in ClinVar's aggregate classification.

Literature cited by the submitters: PubMed 24728327 (cited by ITMI).

NM_000489.6(ATRX):c.2701A>G (p.Ile901Val)

Gene: ATRX (ATRX chromatin remodeler; minus strand). Cytogenetic location: Xq21.1.
Variant type: single nucleotide variant.
Coding change: c.2701A>G on transcript NM_000489.6 (MANE Select); coding-DNA position 2701, A replaced by G.
Protein change: p.Ile901Val; replaces isoleucine 901 with valine.
Molecular consequence: missense variant.
Genome position (GRCh38, 1-based): chrX:77,682,555, T>C on the plus strand (A>G on the coding strand, the complement: ATRX is on the minus strand). VCF-style: chrX-77682555-T-C. GRCh37 (hg19) VCF-style: chrX-76938047-T-C.
Other names: c.2587A>G, p.Ile863Val (NM_138270.5); short protein forms I901V, I863V.
Identifiers: ClinVar variation 133651 (VCV000133651.23), dbSNP rs587778087, ClinGen allele CA157226.
Genomic context (GRCh38, chrX:77,682,555, plus strand): 5'-CACCATCAGTGGAAGCACTTGCTTGCTGCTTCTTAGGAAGTCGATCTCTTAATTCCATGA[T>C]GGTCGTGTCTTTATCAACTGTGCCTTCTGCTGAAGAGAAAGTCTCTCTCTCTTGTTTTCT-3'
Protein context (NP_000480.3, residues 891-911): AEGTVDKDTT[Ile901Val]MELRDRLPKK